The following is an entry in ClinVar:

NM_001330260.2(SCN8A):c.3925C>T (p.Arg1309Ter)

Gene: SCN8A (sodium voltage-gated channel alpha subunit 8; plus strand). Cytogenetic location: 12q13.13.
Variant type: single nucleotide variant.
Coding change: c.3925C>T on transcript NM_001330260.2 (MANE Select); coding-DNA position 3925, C replaced by T.
Protein change: p.Arg1309Ter; replaces arginine 1309 with a stop codon.
Molecular consequence: nonsense. On other transcripts: intron variant (2).
Genome position (GRCh38, 1-based): chr12:51,780,754, C>T. VCF-style: chr12-51780754-C-T. GRCh37 (hg19) VCF-style: chr12-52174538-C-T.
Other names: c.3925C>T, p.Arg1309Ter (NM_014191.4); c.3820-5788C>T (NM_001177984.3, NM_001369788.1); short protein forms R1309*.
Identifiers: ClinVar variation 3728554 (VCV003728554.3).
Genomic context (GRCh38, chr12:51,780,754, plus strand): 5'-CTAGGTGCCATAAAGTCCCTTAGGACCCTAAGAGCTTTGAGACCCTTAAGAGCCTTATCA[C>T]GATTTGAAGGGATGAGGGTAAGATACTAAGAGCAGCTGATCCTTCTGCATGCCAGTGGAA-3'

ClinVar aggregate classification (germline): Pathogenic/Likely pathogenic. Review status: criteria provided, multiple submitters, no conflicts (2 of 4 stars). 2 submissions from 2 submitters: Pathogenic (1); Likely pathogenic (1). Last evaluated 2025-01-22.

Conditions:
Early-infantile DEE. Also called: Early infantile epileptic encephalopathy; Ohtahara syndrome; Early infantile epileptic encephalopathy with suppression bursts. Identifiers: Orphanet 1934, MedGen C0393706, MONDO:0800491.
SCN8A-related disorder.

Submissions (2):

Labcorp Genetics (formerly Invitae), Labcorp
Classification: Pathogenic for Early-infantile DEE. Last evaluated: 2025-01-22. Review status: criteria provided, single submitter. Criteria: Invitae Variant Classification Sherloc (09022015). Collection method: clinical testing. Allele origin: germline.
Comment: This sequence change creates a premature translational stop signal (p.Arg1309*) in the SCN8A gene. It is expected to result in an absent or disrupted protein product. Loss-of-function variants in SCN8A are known to be pathogenic (PMID: 19254928, 32651551). This variant is not present in population databases (gnomAD no frequency). This variant has not been reported in the literature in individuals affected with SCN8A-related conditions. Algorithms developed to predict the effect of sequence changes on RNA splicing suggest that this variant may disrupt the consensus splice site. For these reasons, this variant has been classified as Pathogenic.

Greenwood Genetic Center Diagnostic Laboratories, Greenwood Genetic Center
Classification: Likely pathogenic for SCN8A-related disorder. Last evaluated: 2024-10-30. Review status: criteria provided, single submitter. Criteria: ACMG Guidelines, 2015. Collection method: clinical testing. Allele origin: germline. Affected: yes.
Comment: PVS1, PM2

Literature cited by the submitters: PubMed 19254928 (cited by Labcorp Genetics (formerly Invitae), Labcorp); PubMed 32651551 (cited by Labcorp Genetics (formerly Invitae), Labcorp).